The following is an entry in ClinVar:

NM_033004.4(NLRP1):c.2093G>A (p.Arg698Lys)

Gene: NLRP1 (NLR family pyrin domain containing 1; minus strand). Cytogenetic location: 17p13.2.
Variant type: single nucleotide variant.
Coding change: c.2093G>A on transcript NM_033004.4 (MANE Select); coding-DNA position 2093, G replaced by A.
Protein change: p.Arg698Lys; replaces arginine 698 with lysine.
Molecular consequence: missense variant.
Genome position (GRCh38, 1-based): chr17:5,558,603, C>T on the plus strand (G>A on the coding strand, the complement: NLRP1 is on the minus strand). VCF-style: chr17-5558603-C-T. GRCh37 (hg19) VCF-style: chr17-5461923-C-T.
Other names: c.2093G>A (NM_033004.3); c.2093G>A, p.Arg698Lys (NM_001033053.3, NM_014922.5, NM_033006.4 and 1 more transcripts); short protein forms R698K.
Identifiers: ClinVar variation 2053245 (VCV002053245.27), dbSNP rs773781138, ClinGen allele CA8327259.
Genomic context (GRCh38, chr17:5,558,603, plus strand): 5'-GACTCCAGAGAGTGTGGCTGCAGCAGCAGCTGCAGGGACGGGACCCACTGCATCAGGTTC[C>T]TCCCCTGAGACAGCCGGCAGTGAAAGATGTTCTCCATCTCTCTCTCCCCCTCATCACTTA-3'
Protein context (NP_127497.1, residues 688-708): NIFHCRLSQG[Arg698Lys]NLMQWVPSLQ

ClinVar aggregate classification (germline): Uncertain significance. Review status: criteria provided, multiple submitters, no conflicts (2 of 4 stars). 3 submissions from 3 submitters: Uncertain significance (3). Last evaluated 2025-07-16.

Conditions:
Inborn genetic diseases. Identifiers: MedGen C0950123, MeSH D030342.

Allele frequency attached by ClinVar (database versions not stated): gnomAD exomes 0.00004; gnomAD 0.00005; TOPMed 0.00007; ExAC 0.00012.

Submissions (3):

Labcorp Genetics (formerly Invitae), Labcorp
Classification: Uncertain significance. Last evaluated: 2025-07-16. Review status: criteria provided, single submitter. Criteria: Invitae Variant Classification Sherloc (09022015). Collection method: clinical testing. Allele origin: germline.
Comment: This sequence change replaces arginine, which is basic and polar, with lysine, which is basic and polar, at codon 698 of the NLRP1 protein (p.Arg698Lys). This variant is present in population databases (rs773781138, gnomAD 0.02%). This variant has not been reported in the literature in individuals affected with NLRP1-related conditions. ClinVar contains an entry for this variant (Variation ID: 2053245). An algorithm developed to predict the effect of missense changes on protein structure and function (PolyPhen-2) suggests that this variant is likely to be tolerated. In summary, the available evidence is currently insufficient to determine the role of this variant in disease. Therefore, it has been classified as a Variant of Uncertain Significance.

Ambry Genetics
Classification: Uncertain significance for Inborn genetic diseases. Last evaluated: 2024-09-30. Review status: criteria provided, single submitter. Criteria: Ambry Variant Classification Scheme 2023. Collection method: clinical testing. Allele origin: germline.

CeGaT Center for Human Genetics Tuebingen
Classification: Uncertain significance. Last evaluated: 2024-01-01. Review status: criteria provided, single submitter. Criteria: CeGaT Center For Human Genetics Tuebingen Variant Classification Criteria Version 2. Collection method: clinical testing. Allele origin: germline. Affected: yes. Observed: 1 variant allele.
Comment: NLRP1: PM2, BP4